The following is an entry in ClinVar:

NM_001375524.1(TRRAP):c.6329G>A (p.Arg2110His)

Gene: TRRAP (transformation/transcription domain associated protein; plus strand). Cytogenetic location: 7q22.1.
Variant type: single nucleotide variant.
Coding change: c.6329G>A on transcript NM_001375524.1 (MANE Select); coding-DNA position 6329, G replaced by A.
Protein change: p.Arg2110His; replaces arginine 2110 with histidine.
Molecular consequence: missense variant.
Genome position (GRCh38, 1-based): chr7:98,958,078, G>A. VCF-style: chr7-98958078-G-A. GRCh37 (hg19) VCF-style: chr7-98555701-G-A.
Other names: c.6308G>A, p.Arg2103His (NM_001244580.2); c.6254G>A, p.Arg2085His (NM_003496.4); short protein forms R2103H, R2110H, R2085H.
Identifiers: ClinVar variation 1918958 (VCV001918958.5), dbSNP rs1289019710, ClinGen allele CA368281793.

ClinVar aggregate classification (germline): Uncertain significance (1 of 4 stars; one submission).

Allele frequency attached by ClinVar (database versions not stated): TOPMed 0.00001; gnomAD exomes below 0.00001; gnomAD 0.00001.
gnomAD v4.1: 5 of 1,613,862 alleles (0.00031%); highest among the groups gnomAD compares: African/African-American, 0.0013%; no homozygotes.

Submission:

Labcorp Genetics (formerly Invitae), Labcorp
Classification: Uncertain significance. Last evaluated: 2024-09-29. Review status: criteria provided, single submitter. Criteria: Invitae Variant Classification Sherloc (09022015). Collection method: clinical testing. Allele origin: germline.
Comment: This sequence change replaces arginine, which is basic and polar, with histidine, which is basic and polar, at codon 2085 of the TRRAP protein (p.Arg2085His). This variant is present in population databases (no rsID available, gnomAD 0.007%). This variant has not been reported in the literature in individuals affected with TRRAP-related conditions. ClinVar contains an entry for this variant (Variation ID: 1918958). Invitae Evidence Modeling of protein sequence and biophysical properties (such as structural, functional, and spatial information, amino acid conservation, physicochemical variation, residue mobility, and thermodynamic stability) indicates that this missense variant is expected to disrupt TRRAP protein function with a positive predictive value of 80%. In summary, the available evidence is currently insufficient to determine the role of this variant in disease. Therefore, it has been classified as a Variant of Uncertain Significance.